The following is an entry in ClinVar:

ClinVar aggregate classification (germline): Conflicting classifications of pathogenicity. Review status: criteria provided, conflicting classifications (1 of 4 stars). 4 submissions from 4 submitters: Uncertain significance (1); Likely benign (3). Last evaluated 2026-02-04.

Conditions:
Hyperornithinemia-hyperammonemia-homocitrullinuria syndrome (HHHS). Also called: HHH SYNDROME; Ornithine translocase deficiency. Identifiers: Orphanet 415, MedGen C0268540, MONDO:0009393, OMIM 238970.

Allele frequency attached by ClinVar (database versions not stated): 1000 Genomes Project 30x 0.00094; 1000 Genomes Project 0.00100; TOPMed 0.00109; ESP Exome Variant Server 0.00131; gnomAD 0.00076 and 0.00077.

Submissions (4):

Labcorp Genetics (formerly Invitae), Labcorp
Classification: Likely benign for Hyperornithinemia-hyperammonemia-homocitrullinuria syndrome. Last evaluated: 2026-02-04. Review status: criteria provided, single submitter. Criteria: Invitae Variant Classification Sherloc (09022015). Collection method: clinical testing. Allele origin: germline.

Blueprint Genetics
Classification: Likely benign. Last evaluated: 2024-11-25. Review status: criteria provided, single submitter. Criteria: ACMG Guidelines, 2015. Collection method: clinical testing. Allele origin: germline.

GeneDx
Classification: Likely benign. Last evaluated: 2017-11-02. Review status: criteria provided, single submitter. Criteria: GeneDx Variant Classification (06012015). Collection method: clinical testing. Allele origin: germline. Affected: yes.
Comment: This variant is considered likely benign or benign based on one or more of the following criteria: it is a conservative change, it occurs at a poorly conserved position in the protein, it is predicted to be benign by multiple in silico algorithms, and/or has population frequency not consistent with disease.

Illumina Laboratory Services, Illumina
Classification: Uncertain significance for Hyperornithinemia-hyperammonemia-homocitrullinuria syndrome. Last evaluated: 2017-04-28. Review status: criteria provided, single submitter. Criteria: ICSL Variant Classification Criteria 13 December 2019. Collection method: clinical testing. Allele origin: germline.
Comment: This variant was observed as part of a predisposition screen in an ostensibly healthy population. A literature search was performed for the gene, cDNA change, and amino acid change (where applicable). Publications were found based on this search. However, the evidence from the literature, in combination with allele frequency data from public databases where available, was not sufficient to rule this variant in or out of causing disease. Therefore, this variant is classified as a variant of unknown significance.

Literature cited by the submitters: PubMed 18666241 (cited by Illumina Laboratory Services, Illumina).

NM_014252.4(SLC25A15):c.564C>T (p.Phe188=)

Gene: SLC25A15 (solute carrier family 25 member 15; plus strand). Cytogenetic location: 13q14.11.
Variant type: single nucleotide variant.
Coding change: c.564C>T on transcript NM_014252.4 (MANE Select); coding-DNA position 564, C replaced by T.
Protein change: p.Phe188=; no amino-acid change (phenylalanine 188 retained).
Molecular consequence: synonymous variant.
Genome position (GRCh38, 1-based): chr13:40,807,405, C>T. VCF-style: chr13-40807405-C-T. GRCh37 (hg19) VCF-style: chr13-41381541-C-T.
Identifiers: ClinVar variation 387375 (VCV000387375.17), dbSNP rs141028076, ClinGen allele CA6959760.